The following is an entry in ClinVar:

ClinVar aggregate classification (germline): Pathogenic/Likely pathogenic. Review status: criteria provided, multiple submitters, no conflicts (2 of 4 stars). 8 submissions from 8 submitters: Pathogenic (6); Likely pathogenic (1). 1 of the submissions does not count toward it. Last evaluated 2025-10-01.
ClinVar aggregate classification (somatic clinical impact): Tier I - Strong. Review status: criteria provided, single submitter (1 of 4 stars). 2 submissions from 1 submitter. 1 of the submissions does not count toward it. Last evaluated 2023-10-12.
ClinVar aggregate classification (oncogenicity): Oncogenic (1 of 4 stars; one submission).

Conditions:
Rubinstein-Taybi syndrome (RSTS). Identifiers: Orphanet 783, MedGen C0035934, MONDO:0019188.
CREBBP-related disorder. Also called: CREBBP-related disorders; CREBBP-related condition.
Rubinstein-Taybi syndrome due to CREBBP mutations (RSTS1). Also called: RUBINSTEIN-TAYBI SYNDROME 1, INCOMPLETE; BROAD THUMB-HALLUX SYNDROME; RUBINSTEIN SYNDROME; BROAD THUMBS AND GREAT TOES, CHARACTERISTIC FACIES, AND IMPAIRED INTELLECTUAL DEVELOPMENT; Rubinstein-Taybi syndrome 1; CREBBP-Related Rubinstein-Taybi Syndrome. Identifiers: Orphanet 353277, Orphanet 783, MedGen C4551859, MONDO:0008393, OMIM 180849.
Pilocytic astrocytoma. Also called: Pilocytic astrocytoma, somatic. Identifiers: Orphanet 251612, MedGen C0334583, MONDO:0016691, HP:0033680.
Precursor B-cell acute lymphoblastic leukemia. Also called: B Acute Lymphoblastic Leukemia; Pre-B-cell acute lymphoblastic leukemia. Identifiers: Orphanet 99860, MedGen C0349636, MONDO:0020511, HP:0004812.
Neoplasm. Also called: tumor; Neoplasms; Neoplasm (disease). Identifiers: MedGen C0027651, MeSH D009369, MONDO:0005070, HP:0002664.

Submissions (11):

PreventionGenetics, part of Exact Sciences
Classification: Pathogenic for CREBBP-related condition. Last evaluated: 2025-10-01. Review status: criteria provided, single submitter. Criteria: ACMG Guidelines, 2015. Collection method: clinical testing. Allele origin: germline.
Comment: The CREBBP c.5039_5041delCCT variant is predicted to result in an in-frame deletion (p.Ser1680del). This variant has been reported in individuals with Rubinstein-Taybi syndrome (ID 140, BG, Schorry et al. 2008. PubMed ID: 18792986; Cross et al. 2020. PubMed ID: 32827181) and was also identified in fetal cases of Rubinstein-Taybi syndrome (Cases 5 and 9, Van-Gils et al. 2019. PubMed ID: 30633342). This variant was also seen as a low-level mosaic variant in DNA isolated from buccal mucosa, but was not present in blood, in an individual with clinical features of Rubinstein-Taybi and Filippi syndromes (de Vries et al. 2016. PubMed ID: 26956253). This variant has not been reported in a large population database (gnomAD), indicating this variant is rare. This variant is interpreted as pathogenic.

Center for Genomic Medicine, Rigshospitalet, Copenhagen University Hospital
Classification: Oncogenic for Neoplasm. Last evaluated: 2025-03-04. Review status: criteria provided, single submitter. Criteria: ClinGen/CGC/VICC Guidelines for Oncogenicity, 2022. Collection method: clinical testing. Allele origin: somatic. Affected: yes.

Institute for Genomic Medicine (IGM) Clinical Laboratory, Nationwide Children's Hospital
Classification: Tier I - Strong for Precursor B-cell acute lymphoblastic leukemia. Assertion type: diagnostic. Clinical significance: supports diagnosis. Last evaluated: 2023-10-12. Review status: criteria provided, single submitter. Criteria: AMP/ASCO/CAP Guidelines, 2017. Collection method: clinical testing. Allele origin: somatic. Affected: yes.
Comment: Variant has Tier I (strong) clinical significance as a diagnostic inclusion criterion in precursor B-cell acute lymphoblastic leukemia, based on the following evidence: 1) Documented in one or more cancer databases (e.g., St. Jude Pecan, COSMIC, CIViC, OncoKB). 2) Appears in one or more well-established professional guidelines (e.g., World Health Organization [WHO]; National Comprehensive Cancer Network [NCCN]) as providing diagnostic, prognostic, or therapeutic information. 3) Information in the literature supports potential biologic effect of variant (PMID: 21390126). 4) Diagnostic for a specific tumor type/classification based on well-powered studies with expert-level consensus (Evidence Level B; PMIDs: 25961940, 22388726, 21390130, 21390126, 27979926, 25917266, 27872090).

Institute for Genomic Medicine (IGM) Clinical Laboratory, Nationwide Children's Hospital
Classification: Tier II - Potential for Pilocytic astrocytoma. Assertion type: diagnostic. Clinical significance: supports diagnosis. Last evaluated: 2023-09-13. Review status: criteria provided, single submitter. Criteria: AMP/ASCO/CAP Guidelines, 2017. Collection method: clinical testing. Allele origin: somatic. Affected: yes. Not counted in ClinVar's aggregate classification.
Comment: Variant has Tier II (potential) clinical significance as a diagnostic inclusion criterion in pilocytic astrocytoma, based on the following evidence: 1) Documented in one or more cancer databases (e.g., St. Jude Pecan, COSMIC, CIViC, OncoKB). 2) Information in the literature supports potential biologic effect of variant (PMID: 21390126). 3) Assists in diagnosis alone or along with other biomarkers based on small studies or few case reports (Evidence Level D; PMID: 36854806).

Victorian Clinical Genetics Services, Murdoch Childrens Research Institute
Classification: Pathogenic for Rubinstein-Taybi syndrome due to CREBBP mutations. Last evaluated: 2023-07-17. Review status: criteria provided, single submitter. Criteria: ACMG Guidelines, 2015. Collection method: clinical testing. Allele origin: germline. Inheritance: Autosomal dominant inheritance.
Comment: Based on the classification scheme VCGS_Germline_v1.3.4, this variant is classified as Pathogenic. Following criteria are met: 0102 - Loss of function is a known mechanism of disease in this gene and is associated with Menke-Hennekam syndrome 1 (MIM#618332) and Rubinstein-Taybi syndrome 1 (MIM#180849). (I) 0107 - This gene is associated with autosomal dominant disease. (I) 0213 - In-frame deletion in a non-repetitive region that has high conservation. (SP) 0251 - This variant is heterozygous. (I) 0301 - Variant is absent from gnomAD (both v2 and v3). (SP) 0603 - Missense variant in a region that is highly intolerant to missense variation (high constraint region in DECIPHER). (SP) 0801 - This variant has strong previous evidence of pathogenicity in unrelated individuals. This variant has been reported in at least five individuals or fetuses with Rubinstein-Taybi syndrome 1 (RTS), suspected RTS or congenital anomalies and dysmorphic facial features, with the variant shown to be de novo in three individuals or fetuses (PMIDs: 18792986, 30633342, 32827181). In addition this variant has been demonstrated to be de novo, and mosaic in one individual with a diffential diagnosis of RTS and Filippi syndrome (MIM#272440) (PMID: 26956253). (SP) Legend: (SP) - Supporting pathogenic, (I) - Information, (SB) - Supporting benign

Labcorp Genetics (formerly Invitae), Labcorp
Classification: Pathogenic for Rubinstein-Taybi syndrome. Last evaluated: 2023-03-19. Review status: criteria provided, single submitter. Criteria: Invitae Variant Classification Sherloc (09022015). Collection method: clinical testing. Allele origin: germline.
Comment: This variant has been observed in individual(s) with CREBBP-related conditions (PMID: 18792986, 30633342, 32827181). In at least one individual the variant was observed to be de novo. This variant, c.5039_5041del, results in the deletion of 1 amino acid(s) of the CREBBP protein (p.Ser1680del), but otherwise preserves the integrity of the reading frame. This variant is not present in population databases (gnomAD no frequency). ClinVar contains an entry for this variant (Variation ID: 158384). For these reasons, this variant has been classified as Pathogenic.

MGZ Medical Genetics Center
Classification: Pathogenic for Rubinstein-Taybi syndrome due to CREBBP mutations. Last evaluated: 2021-07-09. Review status: criteria provided, single submitter. Criteria: ACMG Guidelines, 2015. Collection method: clinical testing. Allele origin: germline. Affected: yes. Observed: 1 variant allele.
Comment: ACMG criteria applied: PS2_VSTR, PM4, PM2_SUP

Greenwood Genetic Center Diagnostic Laboratories, Greenwood Genetic Center
Classification: Pathogenic. Last evaluated: 2021-03-05. Review status: criteria provided, single submitter. Criteria: ACMG Guidelines, 2015. Collection method: clinical testing. Allele origin: germline. Affected: yes.
Comment: PS2, PS4, PM2, PM4

Wessex Regional Genetics Laboratory, Salisbury District Hospital
Classification: Pathogenic for Rubinstein-Taybi syndrome due to CREBBP mutations. Last evaluated: 2019-11-05. Review status: criteria provided, single submitter. Criteria: ACMG Guidelines, 2015. Collection method: clinical testing. Allele origin: unknown, de novo. Inheritance: Autosomal dominant inheritance. Affected: yes. Observed: 4 variant alleles.

Genetic Services Laboratory, University of Chicago
Classification: Likely pathogenic for Rubinstein-Taybi syndrome. Last evaluated: 2016-10-17. Review status: criteria provided, single submitter. Criteria: ACMG Guidelines, 2015. Collection method: clinical testing. Allele origin: germline. Affected: yes.

Genomic Medicine Center of Excellence, King Faisal Specialist Hospital and Research Centre
Classification: Uncertain significance for Rubinstein-Taybi syndrome due to CREBBP mutations. Last evaluated: 2024-04-04. Review status: flagged submission. Criteria: ACMG Guidelines, 2015. Collection method: clinical testing. Allele origin: germline. Not counted in ClinVar's aggregate classification.
ClinVar note: Reason: Outlier claim with insufficient supporting evidence

Literature cited by the submitters: PubMed 21390126 (cited by Center for Genomic Medicine, Rigshospitalet, Copenhagen University Hospital and Institute for Genomic Medicine (IGM) Clinical Laboratory, Nationwide Children's Hospital); PubMed 25961940 (cited by Institute for Genomic Medicine (IGM) Clinical Laboratory, Nationwide Children's Hospital); PubMed 22388726 (cited by Institute for Genomic Medicine (IGM) Clinical Laboratory, Nationwide Children's Hospital); PubMed 21390130 (cited by Institute for Genomic Medicine (IGM) Clinical Laboratory, Nationwide Children's Hospital); PubMed 27979926 (cited by Institute for Genomic Medicine (IGM) Clinical Laboratory, Nationwide Children's Hospital); PubMed 25917266 (cited by Institute for Genomic Medicine (IGM) Clinical Laboratory, Nationwide Children's Hospital); PubMed 27872090 (cited by Institute for Genomic Medicine (IGM) Clinical Laboratory, Nationwide Children's Hospital); PubMed 36854806 (cited by Institute for Genomic Medicine (IGM) Clinical Laboratory, Nationwide Children's Hospital); PubMed 18792986 (cited by Victorian Clinical Genetics Services, Murdoch Childrens Research Institute and Labcorp Genetics (formerly Invitae), Labcorp); PubMed 26956253 (cited by Victorian Clinical Genetics Services, Murdoch Childrens Research Institute); PubMed 30633342 (cited by Victorian Clinical Genetics Services, Murdoch Childrens Research Institute and Labcorp Genetics (formerly Invitae), Labcorp); PubMed 32827181 (cited by Victorian Clinical Genetics Services, Murdoch Childrens Research Institute and Labcorp Genetics (formerly Invitae), Labcorp).

NM_004380.3(CREBBP):c.5036CCT[1] (p.Ser1680del)

Gene: CREBBP (CREB binding lysine acetyltransferase; minus strand). Cytogenetic location: 16p13.3.
Variant type: Microsatellite.
Coding change: c.5036CCT[1] on transcript NM_004380.3 (MANE Select); one copy of the 3-base unit CCT starting at c.5036; the reference has two copies in a row; one copy, 3 bases deleted; also written c.5039_5041del.
Protein change: p.Ser1680del; deletes serine 1680.
Molecular consequence: inframe deletion.
Genome position (GRCh38, 1-based): chr16:3,731,323-3,731,325, AGG deleted on the plus strand (CCT on the coding strand, the reverse complement: CREBBP is on the minus strand); deleting any 3 consecutive bases within chr16:3,731,323-3,731,330 gives the same sequence; the position shown is the placement nearest the transcript's 3' end. VCF-style (leftmost placement, unchanged base first): chr16-3731322-AAGG-A. GRCh37 (hg19) VCF-style: chr16-3781323-AAGG-A.
Other names: c.5039_5041del (NM_004380.2, NM_004380.3); c.4922CCT[1], p.Ser1642del (NM_001079846.1); c.5039_5041delCCT (NM_004380.3); short protein forms S1680del, S1642del.
Identifiers: ClinVar variation 158384 (VCV000158384.22), dbSNP rs587783502, ClinGen allele CA271425.